The following is an entry in ClinVar:

NM_024529.5(CDC73):c.1A>G (p.Met1Val)

Gene: CDC73 (cell division cycle 73; plus strand). Cytogenetic location: 1q31.2.
Variant type: single nucleotide variant.
Coding change: c.1A>G on transcript NM_024529.5 (MANE Select); coding-DNA position 1, A replaced by G.
Protein change: p.Met1Val; changes the start codon (methionine 1).
Molecular consequence: missense variant, initiator codon variant.
Genome position (GRCh38, 1-based): chr1:193,122,201, A>G. VCF-style: chr1-193122201-A-G. GRCh37 (hg19) VCF-style: chr1-193091331-A-G.
Other names: short protein forms M1V.
Identifiers: ClinVar variation 582687 (VCV000582687.10), dbSNP rs1558276054, ClinGen allele CA343972722.
Genomic context (GRCh38, chr1:193,122,201, plus strand): 5'-AGGAGGCAGGCGCGGCGGCAGCGGCGGCGCCCCGAGCCGGCGGAGGCGAGGGGGGGGAAG[A>G]TGGCGGACGTGCTTAGCGTCCTGCGACAGTACAACATCCAGAAGAAGGAGATTGTGGTGA-3'
Protein context (NP_078805.3, residues 1-11): [Met1Val]ADVLSVLRQY

ClinVar aggregate classification (germline): Pathogenic (1 of 4 stars; one submission).

Conditions:
Parathyroid carcinoma (PRTC). Also called: CDC73-Related Parathyroid Carcinoma; Parathyroid gland carcinoma. Identifiers: Orphanet 143, MedGen C0687150, MONDO:0012004, OMIM 608266, HP:0006780.

Submission:

Labcorp Genetics (formerly Invitae), Labcorp
Classification: Pathogenic for Parathyroid carcinoma. Last evaluated: 2023-07-14. Review status: criteria provided, single submitter. Criteria: Invitae Variant Classification Sherloc (09022015). Collection method: clinical testing. Allele origin: germline.
Comment: For these reasons, this variant has been classified as Pathogenic. This variant disrupts the p.Leu63 amino acid residue in CDC73. Other variant(s) that disrupt this residue have been determined to be pathogenic (PMID: 18755853; Invitae). This suggests that this residue is clinically significant, and that variants that disrupt this residue are likely to be disease-causing. ClinVar contains an entry for this variant (Variation ID: 582687). Disruption of the initiator codon has been observed in individual(s) with CDC73-related conditions (PMID: 12434154, 30452964, 32590342). It has also been observed to segregate with disease in related individuals. This variant is not present in population databases (gnomAD no frequency). This sequence change affects the initiator methionine of the CDC73 mRNA. The next in-frame methionine is located at codon 177.

Literature cited by the submitters: PubMed 18755853; PubMed 12434154; PubMed 30452964; PubMed 32590342.